The following is an entry in ClinVar:

ClinVar aggregate classification (germline): Likely benign (1 of 4 stars; one submission).

Conditions:
TULP3-related condition.

gnomAD v4.1: 297 of 1,614,178 alleles (0.018%); highest among the groups gnomAD compares: East Asian, 0.2%; no homozygotes.

Submission:

PreventionGenetics, part of Exact Sciences
Classification: Likely benign for TULP3-related condition. Last evaluated: 2026-02-19. Review status: criteria provided, single submitter. Criteria: ACMG Guidelines, 2015. Collection method: clinical testing. Allele origin: germline.
Comment: This variant is classified as likely benign based on ACMG/AMP sequence variant interpretation guidelines (Richards et al. 2015 PMID: 25741868, with internal and published modifications).

NM_003324.5(TULP3):c.1098C>T (p.Pro366=)

Gene: TULP3 (TUB like protein 3; plus strand). Cytogenetic location: 12p13.33.
Variant type: single nucleotide variant.
Coding change: c.1098C>T on transcript NM_003324.5 (MANE Select); coding-DNA position 1098, C replaced by T.
Protein change: p.Pro366=; no amino-acid change (proline 366 retained).
Molecular consequence: synonymous variant.
Genome position (GRCh38, 1-based): chr12:2,938,188, C>T. VCF-style: chr12-2938188-C-T. GRCh37 (hg19) VCF-style: chr12-3047354-C-T.
Other names: c.1098C>T, p.Pro366= (NM_001160408.2).
Identifiers: ClinVar variation 4984341 (VCV004984341.1).